The following is an entry in ClinVar:

NM_000432.4(MYL2):c.56C>G (p.Ser19Cys)

Genes: MYL2 (myosin light chain 2; minus strand), LOC114827850 (VISTA enhancer hs2149; plus strand). Cytogenetic location: 12q24.11.
Variant type: single nucleotide variant.
Coding change: c.56C>G on transcript NM_000432.4 (MANE Select); coding-DNA position 56, C replaced by G.
Protein change: p.Ser19Cys; replaces serine 19 with cysteine.
Molecular consequence: missense variant.
Genome position (GRCh38, 1-based): chr12:110,919,141, G>C on the plus strand (C>G on the coding strand, the complement: MYL2 is on the minus strand). VCF-style: chr12-110919141-G-C. GRCh37 (hg19) VCF-style: chr12-111356945-G-C.
Other names: short protein forms S19C.
Identifiers: ClinVar variation 924321 (VCV000924321.15), dbSNP rs2071704028, ClinGen allele CA386700270.

ClinVar aggregate classification (germline): Uncertain significance. Review status: criteria provided, multiple submitters, no conflicts (2 of 4 stars). 3 submissions from 3 submitters: Uncertain significance (3). Last evaluated 2024-04-16.

Conditions:
Hypertrophic cardiomyopathy 10. Also called: CARDIOMYOPATHY, HYPERTROPHIC, MID-LEFT VENTRICULAR CHAMBER TYPE, 2; MYL2-Related Familial Hypertrophic Cardiomyopathy. Identifiers: MedGen C1834460, MONDO:0012112, OMIM 608758.
Hypertrophic cardiomyopathy. Also called: HYPERTROPHIC MYOCARDIOPATHY. Identifiers: Orphanet 217569, MedGen C0007194, MeSH D002312, MONDO:0005045, HP:0001639.
Cardiomyopathy (CMYO). Also called: Cardiomyopathies. Identifiers: Orphanet 167848, MedGen C0878544, MONDO:0004994, HP:0001638. Inheritance: Various modes of inheritance.

Submissions (3):

All of Us Research Program, National Institutes of Health
Classification: Uncertain significance for Hypertrophic cardiomyopathy. Last evaluated: 2024-04-16. Review status: criteria provided, single submitter. Criteria: ACMG Guidelines, 2015. Collection method: clinical testing. Allele origin: germline. Inheritance: Autosomal dominant inheritance. Observed: 1 variant allele, 1 heterozygote.
Comment: Variant of Uncertain Significance due to insufficient evidence: This missense variant replaces serine with cysteine at codon 19 of the MYL2 protein. Computational prediction tools and conservation analyses suggest that this variant may have deleterious impact on the protein function. Computational splicing tools suggest that this variant may not impact RNA splicing. To our knowledge, functional assays have not been performed for this variant nor has this variant been reported in individuals affected with cardiovascular disorders in the literature. This variant is rare in the general population and has been identified in 0/277264 chromosomes by the Genome Aggregation Database (gnomAD). Available evidence is insufficient to determine the role of this variant in disease conclusively.

This study involves interpretation of variants in research participants for the purpose of population health screening. Participant phenotype was not available at the time of variant classification. Additional details can be found in publication PMID: 35346344, PMCID: PMC8962531

Color Diagnostics, LLC DBA Color Health
Classification: Uncertain significance for Cardiomyopathy. Last evaluated: 2023-12-05. Review status: criteria provided, single submitter. Criteria: ACMG Guidelines, 2015. Collection method: clinical testing. Allele origin: germline.
Comment: Variant of Uncertain Significance due to insufficient evidence: This missense variant replaces serine with cysteine at codon 19 of the MYL2 protein. Computational prediction tools and conservation analyses suggest that this variant may have deleterious impact on the protein function. Computational splicing tools suggest that this variant may not impact RNA splicing. To our knowledge, functional assays have not been performed for this variant nor has this variant been reported in individuals affected with cardiovascular disorders in the literature. This variant is rare in the general population and has been identified in 0/277264 chromosomes by the Genome Aggregation Database (gnomAD). Available evidence is insufficient to determine the role of this variant in disease conclusively.

Labcorp Genetics (formerly Invitae), Labcorp
Classification: Uncertain significance for Hypertrophic cardiomyopathy 10. Last evaluated: 2020-04-01. Review status: criteria provided, single submitter. Criteria: Invitae Variant Classification Sherloc (09022015). Collection method: clinical testing. Allele origin: germline.
Comment: In summary, the available evidence is currently insufficient to determine the role of this variant in disease. Therefore, it has been classified as a Variant of Uncertain Significance. This sequence change replaces serine with cysteine at codon 19 of the MYL2 protein (p.Ser19Cys). The serine residue is highly conserved and there is a moderate physicochemical difference between serine and cysteine. This variant is not present in population databases (ExAC no frequency). This variant has not been reported in the literature in individuals with MYL2-related conditions. Algorithms developed to predict the effect of missense changes on protein structure and function are either unavailable or do not agree on the potential impact of this missense change (SIFT: "Deleterious"; PolyPhen-2: "Probably Damaging"; Align-GVGD: "Class C15").